The following is an entry in ClinVar:

ClinVar aggregate classification (germline): Uncertain significance (1 of 4 stars; one submission).

Conditions:
Early-infantile DEE. Also called: Early infantile epileptic encephalopathy; Early infantile epileptic encephalopathy with suppression bursts; Ohtahara syndrome. Identifiers: Orphanet 1934, MedGen C0393706, MONDO:0800491.

Allele frequency attached by ClinVar (database versions not stated): gnomAD exomes below 0.00001.
gnomAD v4.1: 1 of 1,613,686 alleles (0.000062%); highest among the groups gnomAD compares: Non-Finnish European, 0.000085%; no homozygotes.

Submission:

Labcorp Genetics (formerly Invitae), Labcorp
Classification: Uncertain significance for Early-infantile DEE. Last evaluated: 2020-02-29. Review status: criteria provided, single submitter. Criteria: Invitae Variant Classification Sherloc (09022015). Collection method: clinical testing. Allele origin: germline.
Comment: Algorithms developed to predict the effect of missense changes on protein structure and function (SIFT, PolyPhen-2, Align-GVGD) all suggest that this variant is likely to be disruptive, but these predictions have not been confirmed by published functional studies and their clinical significance is uncertain. This variant identified in the SCN1A gene is located in the extracellular D4-S3/S4 region of the resulting protein (PMID: 25348405, 18804930), but it is unclear how this variant impacts the function of this protein. In summary, the available evidence is currently insufficient to determine the role of this variant in disease. Therefore, it has been classified as a Variant of Uncertain Significance. This sequence change replaces leucine with valine at codon 1634 of the SCN1A protein (p.Leu1634Val). The leucine residue is highly conserved and there is a small physicochemical difference between leucine and valine. This variant is not present in population databases (ExAC no frequency). This variant has not been reported in the literature in individuals with SCN1A-related disease.

Literature cited by the submitters: PubMed 25348405; PubMed 18804930.

NM_001165963.4(SCN1A):c.4900C>G (p.Leu1634Val)

Genes: SCN1A (sodium voltage-gated channel alpha subunit 1; minus strand), LOC102724058 (uncharacterized LOC102724058; plus strand). Cytogenetic location: 2q24.3.
Variant type: single nucleotide variant.
Coding change: c.4900C>G on transcript NM_001165963.4 (MANE Select); coding-DNA position 4900, C replaced by G.
Protein change: p.Leu1634Val; replaces leucine 1634 with valine.
Molecular consequence: missense variant. On other transcripts: non-coding transcript variant (1).
Genome position (GRCh38, 1-based): chr2:165,992,375, G>C on the plus strand (C>G on the coding strand, the complement: SCN1A is on the minus strand). VCF-style: chr2-165992375-G-C. GRCh37 (hg19) VCF-style: chr2-166848885-G-C.
Other names: c.4816C>G, p.Leu1606Val (NM_001165964.3, NM_001353957.2, NM_001353958.2); c.4900C>G, p.Leu1634Val (NM_001202435.3, NM_001353948.2); c.4867C>G, p.Leu1623Val (NM_001353949.2, NM_001353950.2, NM_001353951.2 and 2 more transcripts); c.4864C>G, p.Leu1622Val (NM_001353954.2, NM_001353955.2); c.4813C>G, p.Leu1605Val (NM_001353960.2); c.2458C>G, p.Leu820Val (NM_001353961.2); short protein forms L1623V, L1634V, L1606V, L820V, L1605V, L1622V.
Identifiers: ClinVar variation 530508 (VCV000530508.9), dbSNP rs1211903272, ClinGen allele CA349070404.